The following continues an entry in ClinVar:

NM_000535.7(PMS2):c.2249G>A (p.Gly750Asp)

Gene: PMS2. ClinVar aggregate classification (germline): Conflicting classifications of pathogenicity. Pathogenic (4); Likely pathogenic (12); Uncertain significance (2).

Submissions 7 to 16 of 19:

GeneDx
Classification: Pathogenic. Last evaluated: 2025-01-03. Review status: criteria provided, single submitter. Criteria: GeneDx Variant Classification Process June 2021. Collection method: clinical testing. Allele origin: germline. Affected: yes.
Comment: Published functional studies demonstrate a damaging effect: reduced, though not deficient, MMR activity (PMID: 24027009, 30608896); Not observed at significant frequency in large population cohorts (gnomAD); In silico analysis supports that this missense variant has a deleterious effect on protein structure/function; This variant is associated with the following publications: (PMID: 18602922, 18709565, 21376568, 26318770, 26333163, 26116798, 20531397, 25856668, 28152038, 34371384, 31332305, 28888541, 30608896, 23435383, 33471991, 24027009, Fukui2011[Chapter], 37937776)

German Consortium for Hereditary Breast and Ovarian Cancer, University Hospital Cologne
Classification: Likely pathogenic for Hereditary breast ovarian cancer syndrome. Last evaluated: 2024-11-19. Review status: criteria provided, single submitter. Criteria: ClinGen PMS2 V1.0.0. Collection method: curation. Allele origin: germline.
Comment: According to the ClinGen InSiGHT ACMG PMS2 v1.0.0 criteria we chose these criteria: PS3 (supporting pathogenic): Drost et al. 2013, PMID: 24027009, PM3 (medium pathogenic): This variant has been reported to occur with other PMS2 pathogenic variants in individuals with suspected mismatch repair deficiency syndrome and/or colorectal cancer (Senter et al. 2008. PubMed ID: 18602922; Lavoine et al. 2015. PubMed ID: 26318770; Table S1, Goodenberger et al. 2016. PubMed ID: 25856668). In at least one case, the variants were determined to be on opposite alleles (Senter et al. 2008. PubMed ID: 18602922). However, in at least two individuals with colorectal cancer there was a second pathogenic PMS2 variant present; however, phase was not determined (Supplemental Data, Bodo et al. 2015. PubMed ID: 26116798; Table S1, Goodenberger et al. 2016. PubMed ID: 25856668). Strength?, PP3 (medium pathogenic): MAPP/PP2 Prior P score: 0.9603 , PP4 (medium pathogenic): Bodo (2015, PMID: 26116798): ColorectalCa --> MSI & PMS2 lost in Normal and Tumor tissue Senter (2009, PMID: 18602922): IHC results from these probands’ tumor analyses [including c.2249G>A] demonstrated loss of PMS2 expression in their tumors Goodenberger (2016, PMID: 25856668): MSI-H, IHC: PMS2 loss Shuen (2019, PMID: 30608896): PMS2 loss & MMR activity: 8.27

Ambry Genetics
Classification: Pathogenic for Hereditary cancer-predisposing syndrome. Last evaluated: 2024-08-08. Review status: criteria provided, single submitter. Criteria: Ambry Variant Classification Scheme 2023. Collection method: clinical testing. Allele origin: germline.
Comment: The p.G750D pathogenic mutation (also known as c.2249G>A), located in exon 13 of the PMS2 gene, results from a G to A substitution at nucleotide position 2249. The glycine at codon 750 is replaced by aspartate, an amino acid with similar properties. In one study, this alteration was detected in trans with a full gene PMS2 deletion and the severe phenotype in this family was consistent with biallelic PMS2 mutations. The proband's tumor as well as adjacent normal tissue demonstrated loss of PMS2 expression on IHC (Senter et al. Gastroenterology. 2008 August; 135(2): 419&ndash;428). Tumor testing showed MSI-H and absence of PMS2 staining on IHC. This patient's family history included hematologic cancers, renal cancer, and CRC (van Galen et al. Hereditary Cancer in Clinical Practice. 2011, 9(Suppl 1):P38). This alteration was also reported in a suspected Lynch syndrome family and the proband had co-occurrence with PMS2 p.E330_E381del. Based on an internal structural analysis, this variant is anticipated to result in a significant decrease in protein structural stability (Gueneau E et al. Nat. Struct. Mol. Biol. 2013 Apr; 20(4):461-8). This missense alteration is located in a region that has a low rate of benign missense variation (Lek M et al. Nature. 2016 Aug 18;536(7616):285-91; DECIPHER: Database of Chromosomal Imbalance and Phenotype in Humans using Ensembl Resources. Firth H.V. et al. 2009. Am.J.Hum.Genet. 84, 524-533 (DOI)). This variant is considered to be rare based on population cohorts in the Genome Aggregation Database (gnomAD). This amino acid position is highly conserved in available vertebrate species. In addition, this alteration is predicted to be deleterious by in silico analysis. Based on the supporting evidence, this alteration is interpreted as a disease-causing mutation.

Mayo Clinic Laboratories, Mayo Clinic
Classification: Likely pathogenic. Last evaluated: 2024-04-10. Review status: criteria provided, single submitter. Criteria: ACMG Guidelines, 2015. Collection method: clinical testing. Allele origin: germline. Observed: 2 variant alleles.
Comment: PP3, PP4, PP5, PM2, PM3, PS3_supporting

Genetic Services Laboratory, University of Chicago
Classification: Likely pathogenic. Last evaluated: 2024-04-01. Review status: criteria provided, single submitter. Criteria: ACMG Guidelines, 2015. Collection method: clinical testing. Allele origin: germline. Affected: yes.
Comment: DNA sequence analysis of the PMS2 gene demonstrated a sequence change, c.2249G>A, in exon 13 that results in an amino acid change, p.Gly750Asp. This amino acid change has been described in the literature in the compound heterozygous state with other pathogenic variants in PMS2 in individuals with clinical features consistent with constitutional mismatch repair deficiency (PMID: 18602922, 26318770). This sequence change has been described in the gnomAD database with a frequency of 0.002% in the overall subpopulation (dbSNP rs587779337), however this frequency is unreliable due to the presence of homologous sequences such as pseudogenes. The p.Gly750Asp change affects a highly conserved amino acid residue located in a domain of the PMS2 protein that is known to be functional. Functional studies indicate that this sequence change impacts PMS2 function, however, one of these studies suggested that this sequence change may have an intermediate effect on repair efficiency, indicating it may be pathogenic with reduced penetrance (PMID: 24027009, 26116798). The p.Gly750Asp substitution appears to be deleterious using several in-silico pathogenicity prediction tools (SIFT, PolyPhen2, Align GVGD, REVEL). These collective evidences indicate that this sequence change is likely pathogenic, however functional studies have not been performed to prove this conclusively.

PreventionGenetics, part of Exact Sciences
Classification: Likely pathogenic for PMS2-related condition. Last evaluated: 2023-10-11. Review status: criteria provided, single submitter. Criteria: ACMG Guidelines, 2015. Collection method: clinical testing. Allele origin: germline.
Comment: The PMS2 c.2249G>A variant is predicted to result in the amino acid substitution p.Gly750Asp. This variant has been reported to occur with other PMS2 pathogenic variants in individuals with suspected mismatch repair deficiency syndrome and/or colorectal cancer (Senter et al. 2008. PubMed ID: 18602922; Lavoine et al. 2015. PubMed ID: 26318770; Table S1, Goodenberger et al. 2016. PubMed ID: 25856668). In at least one case, the variants were determined to be on opposite alleles (Senter et al. 2008. PubMed ID: 18602922). However, in at least two individuals with colorectal cancer there was a second pathogenic PMS2 variant present; however, phase was not determined (Supplemental Data, Bodo et al. 2015. PubMed ID: 26116798; Table S1, Goodenberger et al. 2016. PubMed ID: 25856668). Studies have shown that this variant, and PMS2 variants overall, were not significantly associated with an increased risk of ovarian or breast cancer (Table S7, Lilyquist et al. 2017. PubMed ID: 28888541; Supplemental Data, Lilyquist et al. 2017. PubMed ID: 28888541). Functional studies have shown that this variant impacts protein function (Drost et al. 2013. PubMed ID: 24027009; Table A2, Shuen et al. 2019. PubMed ID: 30608896). This variant is reported in 0.00089% of alleles in individuals of European (Non-Finnish) descent in gnomAD. This variant has conflicting interpretations regarding its pathogenicity in ClinVar, ranging from uncertain to likely pathogenic to pathogenic. ; however, the majority of submitters favor likely pathogenic/pathogenic. Taken together, we interpret this variant as likely pathogenic.

Myriad Genetics, Inc.
Classification: Likely pathogenic for Lynch syndrome 4. Last evaluated: 2023-09-22. Review status: criteria provided, single submitter. Criteria: Myriad Autosomal Dominant, Autosomal Recessive and X-Linked Classification Criteria (2023). Collection method: clinical testing. Allele origin: unknown.
Comment: This variant is considered likely pathogenic. Functional studies indicate this variant impacts protein function [PMID: 30608896, 24027009]. This variant has been reported in multiple individuals with clinical features of gene-specific disease [PMID: 18602922, 30608896, 26318770]. This variant is expected to disrupt protein structure [Myriad internal data].

Blueprint Genetics
Classification: Likely pathogenic for PMS2-related disorders. Last evaluated: 2023-09-13. Review status: criteria provided, single submitter. Criteria: ACMG Guidelines, 2015. Collection method: clinical testing. Allele origin: germline. Affected: yes. Observed: 1 variant allele.

Baylor Genetics
Classification: Likely pathogenic for Lynch syndrome 4. Last evaluated: 2023-06-05. Review status: criteria provided, single submitter. Criteria: ACMG Guidelines, 2015. Collection method: clinical testing. Allele origin: unknown.

Centre for Mendelian Genomics, University Medical Centre Ljubljana
Classification: Likely pathogenic for Lynch syndrome 4. Last evaluated: 2022-12-09. Review status: criteria provided, single submitter. Criteria: ACMG Guidelines, 2015. Collection method: research. Allele origin: germline. Affected: no.
Comment: PS4_STR, PS3, PM2_SUP